The following is an entry in ClinVar:

ClinVar aggregate classification (germline): Pathogenic (1 of 4 stars; one submission).

Conditions:
Congenital myotonia, autosomal recessive form. Also called: BECKER DISEASE; Becker Generalized Myotonia; myotonia congenita, autosomal recessive. Identifiers: Orphanet 614, MedGen C0751360, MONDO:0009715, OMIM 255700.
Congenital myotonia, autosomal dominant form (THD). Also called: THOMSEN DISEASE; Myotonia congenita autosomal dominant. Identifiers: Orphanet 614, MedGen C2936781, MONDO:0008055, OMIM 160800.

Submission:

Labcorp Genetics (formerly Invitae), Labcorp
Classification: Pathogenic for Congenital myotonia, autosomal recessive form; Congenital myotonia, autosomal dominant form. Last evaluated: 2023-04-07. Review status: criteria provided, single submitter. Criteria: Invitae Variant Classification Sherloc (09022015). Collection method: clinical testing. Allele origin: unknown.
Comment: A similar copy number variant has been observed in individual(s) with autosomal recessive myotonia congenita (PMID: 21221019). For these reasons, this variant has been classified as Pathogenic. This variant is a gross deletion of the genomic region encompassing exon(s) 11 of the CLCN1 gene. This deletion is out-of-frame, and is expected to create a premature termination codon and result in an absent or disrupted protein product. Loss-of-function variants in CLCN1 are known to be pathogenic (PMID: 17932099, 22094069, 23739125).

Literature cited by the submitters: PubMed 21221019; PubMed 17932099; PubMed 22094069; PubMed 23739125.

NC_000007.13:g.(?_143029321)_(143029798_?)del

Gene: CLCN1 (chloride voltage-gated channel 1; plus strand). Cytogenetic location: 7q34.
Variant type: Deletion.
Identifiers: ClinVar variation 3245728 (VCV003245728.1).